The following is an entry in ClinVar:

ClinVar aggregate classification (germline): Conflicting classifications of pathogenicity. Review status: criteria provided, conflicting classifications (1 of 4 stars). 4 submissions from 3 submitters: Uncertain significance (1); Benign (1); Likely benign (2). Last evaluated 2021-05-21.

Conditions:
3-Methylglutaconic aciduria type 3 (MGCA3). Also called: OPA3, AUTOSOMAL RECESSIVE; OPTIC ATROPHY 3, AUTOSOMAL RECESSIVE; Costeff Syndrome; OPA3-Related 3-Methylglutaconic Aciduria. Identifiers: Orphanet 67047, MedGen C0574084, MONDO:0009787, OMIM 258501.
Optic atrophy 3 (OPA3). Also called: OPTIC ATROPHY 3, AUTOSOMAL DOMINANT; Optic atrophy, cataract, and neurologic disorder; Optic atrophy 3 with cataract. Identifiers: Orphanet 67036, MedGen C1833809, MONDO:0008133, OMIM 165300.

Allele frequency attached by ClinVar (database versions not stated): 1000 Genomes Project 30x 0.00406; 1000 Genomes Project 0.00419; TOPMed 0.01006; gnomAD 0.01056 and 0.01070; gnomAD exomes 0.01855.
gnomAD v4.1: 16,895 of 981,372 alleles (1.7%); highest among the groups gnomAD compares: Non-Finnish European, 1.9%; 168 homozygotes.

Submissions (4):

GeneDx
Classification: Likely benign. Last evaluated: 2021-05-21. Review status: criteria provided, single submitter. Criteria: GeneDx Variant Classification Process June 2021. Collection method: clinical testing. Allele origin: germline. Affected: yes.

Blueprint Genetics
Classification: Likely benign. Last evaluated: 2020-02-28. Review status: criteria provided, single submitter. Criteria: ACMG Guidelines, 2015. Collection method: clinical testing. Allele origin: germline.

Illumina Laboratory Services, Illumina
Classification: Uncertain significance for 3-Methylglutaconic aciduria type 3. Last evaluated: 2018-01-12. Review status: criteria provided, single submitter. Criteria: ICSL Variant Classification Criteria 13 December 2019. Collection method: clinical testing. Allele origin: germline.

Illumina Laboratory Services, Illumina
Classification: Benign for Optic atrophy 3. Last evaluated: 2018-01-12. Review status: criteria provided, single submitter. Criteria: ICSL Variant Classification Criteria 13 December 2019. Collection method: clinical testing. Allele origin: germline.
Comment: This variant was observed in the ICSL laboratory as part of a predisposition screen in an ostensibly healthy population. It had not been previously curated by ICSL or reported in the Human Gene Mutation Database (HGMD: prior to June 1st, 2018), and was therefore a candidate for classification through an automated scoring system. Utilizing variant allele frequency, disease prevalence and penetrance estimates, and inheritance mode, an automated score was calculated to assess if this variant is too frequent to cause the disease. Based on the score and internal cut-off values, a variant classified as benign is not then subjected to further curation. The score for this variant resulted in a classification of benign for this disease.

NM_025136.4(OPA3):c.*1836C>T

Genes: OPA3-RTN2 (OPA3-RTN2 readthrough; minus strand), OPA3 (outer mitochondrial membrane lipid metabolism regulator OPA3; minus strand). Cytogenetic location: 19q13.32.
Variant type: single nucleotide variant.
Coding change: c.*1836C>T on transcript NM_025136.4 (MANE Select); 1836 bases downstream of the stop codon, C replaced by T.
Molecular consequence: 3 prime UTR variant. On other transcripts: intron variant (1).
Genome position (GRCh38, 1-based): chr19:45,551,678, G>A on the plus strand (C>T on the coding strand, the complement: OPA3 is on the minus strand). VCF-style: chr19-45551678-G-A. GRCh37 (hg19) VCF-style: chr19-46054936-G-A.
Other names: c.143-22222C>T (NM_001017989.3).
Identifiers: ClinVar variation 329650 (VCV000329650.7), dbSNP rs74717111, ClinGen allele CA10643013.